The following is an entry in ClinVar:

NM_000159.4(GCDH):c.149G>A (p.Trp50Ter)

Genes: GCDH (glutaryl-CoA dehydrogenase; plus strand), LOC117125594 (CRISPRi-FlowFISH-validated KLF1 regulatory element; plus strand). Cytogenetic location: 19p13.13.
Variant type: single nucleotide variant.
Coding change: c.149G>A on transcript NM_000159.4 (MANE Select); coding-DNA position 149, G replaced by A.
Protein change: p.Trp50Ter; replaces tryptophan 50 with a stop codon.
Molecular consequence: nonsense. On other transcripts: non-coding transcript variant (2).
Genome position (GRCh38, 1-based): chr19:12,891,852, G>A. VCF-style: chr19-12891852-G-A. GRCh37 (hg19) VCF-style: chr19-13002666-G-A.
Other names: c.149G>A, p.Trp50Ter (NM_013976.5); c.149G>A (NM_000159.3); short protein forms W50*.
Identifiers: ClinVar variation 984309 (VCV000984309.12), dbSNP rs1970564107, ClinGen allele CA404314826.

ClinVar aggregate classification (germline): Pathogenic/Likely pathogenic. Review status: criteria provided, multiple submitters, no conflicts (2 of 4 stars). 3 submissions from 3 submitters: Pathogenic (1); Likely pathogenic (1). 1 of the submissions does not count toward it. Last evaluated 2022-10-05.

Conditions:
Glutaric aciduria, type 1. Also called: Glutaricacidemia Type 1; Glutaricaciduria, type I; Glutaric acidemia type I; Glutaric Acidemia Type 1; GA I; Glutaryl-CoA dehydrogenase deficiency. Identifiers: Orphanet 25, MedGen C0268595, MONDO:0009281, OMIM 231670.
GCDH-related disorder. Also called: GCDH-related condition.

Submissions (3):

Labcorp Genetics (formerly Invitae), Labcorp
Classification: Pathogenic for Glutaric aciduria, type 1. Last evaluated: 2022-10-05. Review status: criteria provided, single submitter. Criteria: Invitae Variant Classification Sherloc (09022015). Collection method: clinical testing. Allele origin: germline.
Comment: This sequence change creates a premature translational stop signal (p.Trp50*) in the GCDH gene. It is expected to result in an absent or disrupted protein product. Loss-of-function variants in GCDH are known to be pathogenic (PMID: 10699052, 11854167, 16602100). This variant is not present in population databases (gnomAD no frequency). This variant has not been reported in the literature in individuals affected with GCDH-related conditions. ClinVar contains an entry for this variant (Variation ID: 984309). For these reasons, this variant has been classified as Pathogenic.

Myriad Genetics, Inc.
Classification: Likely pathogenic for Glutaric aciduria, type 1. Last evaluated: 2020-02-02. Review status: criteria provided, single submitter. Criteria: Myriad Women's Health Autosomal Recessive and X-Linked Classification Criteria (2019). Collection method: clinical testing. Allele origin: unknown.
Comment: NM_000159.2(GCDH):c.149G>A(W50*) is expected to be pathogenic in the context of glutaric acidemia, GCDH-related. This variant is predicted to lead to an abnormal or absent protein product due to the creation of a premature termination codon in GCDH, a gene where loss-of-function variants are known to be pathogenic. Please note: this variant was assessed in the context of healthy population screening.

PreventionGenetics, part of Exact Sciences
Classification: Pathogenic for GCDH-related condition. Last evaluated: 2024-02-20. Review status: no assertion criteria provided. Collection method: clinical testing. Allele origin: germline. Not counted in ClinVar's aggregate classification.
Comment: The GCDH c.149G>A variant is predicted to result in premature protein termination (p.Trp50*). To our knowledge, this variant has not been reported in in the literature; however, an alternative nucleotide change causing the same protein effect (c.150G>A) has been reported in the homozygous state in an individual with glutaric aciduria type 1 (Tables S2 and S3, Kaur et al. 2021. PubMed ID: 34302356). This variant has not been reported in a large population database, indicating it is rare. Nonsense variants in GCDH are expected to be pathogenic. This variant is interpreted as pathogenic.

Literature cited by the submitters: PubMed 10699052 (cited by Labcorp Genetics (formerly Invitae), Labcorp); PubMed 11854167 (cited by Labcorp Genetics (formerly Invitae), Labcorp); PubMed 16602100 (cited by Labcorp Genetics (formerly Invitae), Labcorp).